The following is an entry in ClinVar:

ClinVar aggregate classification (germline): Likely pathogenic (1 of 4 stars; one submission).

Conditions:
Autosomal dominant intellectual disability-craniofacial anomalies-cardiac defects syndrome (ARTHS). Also called: Arboleda-Tham syndrome; KAT6A syndrome; Mental retardation, autosomal dominant 32. Identifiers: Orphanet 457193, MedGen C4225396, MONDO:0014558, OMIM 616268.

Submission:

Greenwood Genetic Center Diagnostic Laboratories, Greenwood Genetic Center
Classification: Likely pathogenic for Autosomal dominant intellectual disability-craniofacial anomalies-cardiac defects syndrome. Last evaluated: 2021-12-09. Review status: criteria provided, single submitter. Criteria: ACMG Guidelines, 2015. Collection method: clinical testing. Allele origin: germline. Affected: yes.
Comment: PS2, PM2

NM_006766.5(KAT6A):c.4861C>T (p.Gln1621Ter)

Gene: KAT6A (lysine acetyltransferase 6A; minus strand). Cytogenetic location: 8p11.21.
Variant type: single nucleotide variant.
Coding change: c.4861C>T on transcript NM_006766.5 (MANE Select); coding-DNA position 4861, C replaced by T.
Protein change: p.Gln1621Ter; replaces glutamine 1621 with a stop codon.
Molecular consequence: nonsense.
Genome position (GRCh38, 1-based): chr8:41,933,359, G>A on the plus strand (C>T on the coding strand, the complement: KAT6A is on the minus strand). VCF-style: chr8-41933359-G-A. GRCh37 (hg19) VCF-style: chr8-41790877-G-A.
Other names: short protein forms Q1621*.
Identifiers: ClinVar variation 1334703 (VCV001334703.4), dbSNP rs2150855722, ClinGen allele CA371064464.